The following is an entry in ClinVar:

ClinVar aggregate classification (germline): Uncertain significance. Review status: criteria provided, multiple submitters, no conflicts (2 of 4 stars). 2 submissions from 2 submitters: Uncertain significance (2). Last evaluated 2024-01-15.

Conditions:
Muscular dystrophy-dystroglycanopathy (congenital with brain and eye anomalies), type A9. Also called: Muscular dystrophy-dystroglycanopathy (congenital with brain and eye anomalies), type a, 9; WALKER-WARBURG SYNDROME OR MUSCLE-EYE BRAIN DISEASE, DAG1-RELATED. Identifiers: Orphanet 370997, Orphanet 899, MedGen C4225291, MONDO:0014683, OMIM 616538.
Autosomal recessive limb-girdle muscular dystrophy type 2P. Also called: Limb-Girdle Muscular Dystrophy Type 9C; MUSCULAR DYSTROPHY, LIMB-GIRDLE, TYPE 2P; MUSCULAR DYSTROPHY-DYSTROGLYCANOPATHY, LIMB-GIRDLE, DAG1-RELATED. Identifiers: Orphanet 280333, MedGen C4511963, MONDO:0013440, OMIM 613818.

Allele frequency attached by ClinVar (database versions not stated): gnomAD 0.00001; TOPMed 0.00001.
gnomAD v4.1: 2 of 1,614,108 alleles (0.00012%); highest among the groups gnomAD compares: Admixed American, 0.0033%; no homozygotes.

Submissions (2):

Labcorp Genetics (formerly Invitae), Labcorp
Classification: Uncertain significance for Autosomal recessive limb-girdle muscular dystrophy type 2P; Muscular dystrophy-dystroglycanopathy (congenital with brain and eye anomalies), type A9. Last evaluated: 2024-01-15. Review status: criteria provided, single submitter. Criteria: Invitae Variant Classification Sherloc (09022015). Collection method: clinical testing. Allele origin: germline.
Comment: This sequence change replaces serine, which is neutral and polar, with isoleucine, which is neutral and non-polar, at codon 558 of the DAG1 protein (p.Ser558Ile). This variant is not present in population databases (gnomAD no frequency). This variant has not been reported in the literature in individuals affected with DAG1-related conditions. ClinVar contains an entry for this variant (Variation ID: 1956360). Advanced modeling of protein sequence and biophysical properties (such as structural, functional, and spatial information, amino acid conservation, physicochemical variation, residue mobility, and thermodynamic stability) performed at Invitae indicates that this missense variant is not expected to disrupt DAG1 protein function with a negative predictive value of 80%. In summary, the available evidence is currently insufficient to determine the role of this variant in disease. Therefore, it has been classified as a Variant of Uncertain Significance.

Breakthrough Genomics
Classification: Uncertain significance. Review status: criteria provided, single submitter. Criteria: ACMG Guidelines, 2015. Collection method: not provided. Allele origin: germline. Inheritance: Autosomal recessive inheritance. Affected: yes.

NM_004393.6(DAG1):c.1673G>T (p.Ser558Ile)

Gene: DAG1 (dystroglycan 1; plus strand). Cytogenetic location: 3p21.31.
Variant type: single nucleotide variant.
Coding change: c.1673G>T on transcript NM_004393.6 (MANE Select); coding-DNA position 1673, G replaced by T.
Protein change: p.Ser558Ile; replaces serine 558 with isoleucine.
Molecular consequence: missense variant.
Genome position (GRCh38, 1-based): chr3:49,532,184, G>T. VCF-style: chr3-49532184-G-T. GRCh37 (hg19) VCF-style: chr3-49569617-G-T.
Other names: c.1673G>T, p.Ser558Ile (NM_001165928.4, NM_001177634.3, NM_001177635.3 and 9 more transcripts); short protein forms S558I.
Identifiers: ClinVar variation 1956360 (VCV001956360.4), dbSNP rs746984955, ClinGen allele CA352795897.